The following is an entry in ClinVar:

NM_000059.4(BRCA2):c.9329dup (p.Asn3110fs)

Gene: BRCA2 (BRCA2 DNA repair associated; plus strand). Cytogenetic location: 13q13.1.
Variant type: Duplication.
Coding change: c.9329dup on transcript NM_000059.4 (MANE Select); coding-DNA position 9329, one base duplicated (A; older notation c.9329dupA).
Protein change: p.Asn3110fs; shifts the reading frame from asparagine 3110.
Molecular consequence: frameshift variant.
Genome position (GRCh38, 1-based): chr13:32,394,761, A duplicated; the last of 2 consecutive A bases (chr13:32,394,760-32,394,761); duplicating either gives the same sequence. VCF-style (leftmost placement, unchanged base first): chr13-32394759-T-TA. GRCh37 (hg19) VCF-style: chr13-32968896-T-TA.
Other names: c.9329dupA (NM_000059.3); short protein forms N3110fs.
Identifiers: ClinVar variation 545853 (VCV000545853.21), dbSNP rs1405341259, ClinGen allele CA609093422.

ClinVar aggregate classification (germline): Pathogenic/Likely pathogenic. Review status: criteria provided, multiple submitters, no conflicts (2 of 4 stars). 6 submissions from 6 submitters: Pathogenic (4); Likely pathogenic (1). 1 of the submissions does not count toward it. Last evaluated 2025-08-20.

Conditions:
Hereditary breast ovarian cancer syndrome. Also called: Hereditary breast and ovarian cancer; Hereditary breast and/or ovarian cancer syndrome; Hereditary breast and ovarian cancer syndrome; Hereditary breast and ovarian cancer syndrome (HBOC); Breast and ovarian cancer; BRCA1- and BRCA2-Associated Hereditary Breast and Ovarian Cancer. Identifiers: Orphanet 145, MedGen C0677776, MeSH D061325, MONDO:0003582. Disease mechanism: loss of function.
Hereditary cancer-predisposing syndrome. Also called: Neoplastic Syndromes, Hereditary; Hereditary Cancer Syndrome; Tumor predisposition; Hereditary neoplastic syndrome. Identifiers: Orphanet 140162, MedGen C0027672, MeSH D009386, MONDO:0015356.
Familial cancer of breast. Also called: Hereditary breast cancer; hereditary breast carcinoma; BREAST CANCER, FAMILIAL. Identifiers: Orphanet 227535, MedGen C0346153, MONDO:0016419, OMIM 114480. Disease mechanism: loss of function.

Submissions (6):

Ambry Genetics
Classification: Pathogenic for Hereditary cancer-predisposing syndrome. Last evaluated: 2025-08-20. Review status: criteria provided, single submitter. Criteria: Ambry Variant Classification Scheme 2023. Collection method: clinical testing. Allele origin: germline.
Comment: The c.9329dupA pathogenic mutation, located in coding exon 24 of the BRCA2 gene, results from a duplication of A at nucleotide position 9329, causing a translational frameshift with a predicted alternate stop codon (p.N3110Kfs*2). This alteration is expected to result in loss of function by premature protein truncation or nonsense-mediated mRNA decay. As such, this alteration is interpreted as a disease-causing mutation.

Labcorp Genetics (formerly Invitae), Labcorp
Classification: Pathogenic for Hereditary breast ovarian cancer syndrome. Last evaluated: 2025-05-30. Review status: criteria provided, single submitter. Criteria: Invitae Variant Classification Sherloc (09022015). Collection method: clinical testing. Allele origin: germline.
Comment: This sequence change creates a premature translational stop signal (p.Asn3110Lysfs*2) in the BRCA2 gene. It is expected to result in an absent or disrupted protein product. Loss-of-function variants in BRCA2 are known to be pathogenic (PMID: 20104584). This variant is present in population databases (no rsID available, gnomAD 0.02%). This variant has not been reported in the literature in individuals affected with BRCA2-related conditions. ClinVar contains an entry for this variant (Variation ID: 545853). For these reasons, this variant has been classified as Pathogenic.

Baylor Genetics
Classification: Likely pathogenic for Familial cancer of breast. Last evaluated: 2022-07-11. Review status: criteria provided, single submitter. Criteria: ACMG Guidelines, 2015. Collection method: clinical testing. Allele origin: unknown.

Color Diagnostics, LLC DBA Color Health
Classification: Pathogenic for Hereditary cancer-predisposing syndrome. Last evaluated: 2020-01-15. Review status: criteria provided, single submitter. Criteria: ACMG Guidelines, 2015. Collection method: clinical testing. Allele origin: germline.
Comment: This variant inserts 1 nucleotide in exon 25 of the BRCA2 gene, creating a frameshift and premature translation stop signal. This variant is expected to result in an absent or non-functional protein product. This variant has been identified in 2/31404 chromosomes in the general population by the Genome Aggregation Database (gnomAD). Loss of BRCA2 function is a known mechanism of disease. Based on the available evidence, this variant is classified as Pathogenic.

GeneDx
Classification: Pathogenic. Last evaluated: 2018-11-02. Review status: criteria provided, single submitter. Criteria: GeneDx Variant Classification (06012015). Collection method: clinical testing. Allele origin: germline. Affected: yes.
Comment: This duplication of one nucleotide in BRCA2 is denoted c.9329dupA at the cDNA level and p.Asn3110LysfsX2 (N3110KfsX2) at the protein level. The normal sequence, with the base that is duplicated in brackets, is CTTA[dupA]TGAG. The duplication causes a frameshift which changes an Asparagine to a Lysine at codon 3110, and creates a premature stop codon at position 2 of the new reading frame. Although this variant has not, to our knowledge, been reported in the literature, it is predicted to cause loss of normal protein function through either protein truncation or nonsense-mediated mRNA decay. We consider this variant to be pathogenic.

Department of Pathology and Laboratory Medicine, Sinai Health System
Classification: Pathogenic. Review status: no assertion criteria provided. Collection method: clinical testing. Allele origin: unknown. Affected: yes. Observed: 1 variant allele. Study: The Canadian Open Genetics Repository (COGR). Not counted in ClinVar's aggregate classification.
Comment: The BRCA2 p.Asn3110LysfsX2 variant was not identified in the literature nor was it identified in the dbSNP, ClinVar, GeneInsight-COGR, Cosmic, MutDB, LOVD 3.0, UMD-LSDB, BIC Database, ARUP Laboratories, the 1000 Genomes Project, the NHLBI GO Exome Sequencing Project, the Exome Aggregation Consortium (August 8th 2016), or the Genome Aggregation Database (Feb 27, 2017). The c.9329dupA variant is predicted to cause a frameshift, which alters the protein's amino acid sequence beginning at codon 3110 and leads to a premature stop codon at position 3111. This alteration is then predicted to result in a truncated or absent protein and loss of function. Loss of function variants of the BRCA2 gene are an established mechanism of disease in hereditary breast and ovarian cancer and is the type of variant expected to cause the disorder. In ClinVar, an alternate BRCA2 variant (c.9331G>T/p.Glu3111X) is classified as pathogenic, reviewed by an expert panel (2016). In summary, based on the above information this variant meets our laboratoryâ€šÃ„Ã´s criteria to be classified as pathogenic.

Literature cited by the submitters: PubMed 20104584 (cited by Labcorp Genetics (formerly Invitae), Labcorp).